The following is an entry in ClinVar:

ClinVar aggregate classification (germline): Likely benign. Review status: criteria provided, multiple submitters, no conflicts (2 of 4 stars). 2 submissions from 2 submitters: Likely benign (2). Last evaluated 2024-07-29.

Conditions:
Familial cancer of breast. Also called: hereditary breast carcinoma; BREAST CANCER, FAMILIAL; Hereditary breast cancer. Identifiers: Orphanet 227535, MedGen C0346153, MONDO:0016419, OMIM 114480. Disease mechanism: loss of function.

Submissions (2):

Myriad Genetics, Inc.
Classification: Likely benign for Familial cancer of breast. Last evaluated: 2024-07-29. Review status: criteria provided, single submitter. Criteria: Myriad Autosomal Dominant, Autosomal Recessive and X-Linked Classification Criteria (2023). Collection method: clinical testing. Allele origin: unknown.
Comment: This variant is considered likely benign. This variant is intronic and is not expected to impact mRNA splicing.

Labcorp Genetics (formerly Invitae), Labcorp
Classification: Likely benign for Familial cancer of breast. Last evaluated: 2023-04-24. Review status: criteria provided, single submitter. Criteria: Invitae Variant Classification Sherloc (09022015). Collection method: clinical testing. Allele origin: germline.

NM_000465.4(BARD1):c.1903+8T>A

Gene: BARD1 (BRCA1 associated RING domain 1; minus strand). Cytogenetic location: 2q35.
Variant type: single nucleotide variant.
Coding change: c.1903+8T>A on transcript NM_000465.4 (MANE Select); 8 bases into the intron after coding-DNA position 1903, T replaced by A.
Molecular consequence: intron variant.
Genome position (GRCh38, 1-based): chr2:214,745,059, A>T on the plus strand (T>A on the coding strand, the complement: BARD1 is on the minus strand). VCF-style: chr2-214745059-A-T. GRCh37 (hg19) VCF-style: chr2-215609783-A-T.
Other names: c.493+8T>A (NM_001282548.2); c.1846+8T>A (NM_001282543.2); c.550+8T>A (NM_001282545.2); c.365-14551T>A (NM_001282549.2).
Identifiers: ClinVar variation 3016798 (VCV003016798.4), dbSNP rs2469337448, ClinGen allele CA2740096427.